The following is an entry in ClinVar:

NM_000136.3(FANCC):c.770T>C (p.Leu257Pro)

Genes: AOPEP (aminopeptidase O (putative); plus strand), FANCC (FA complementation group C; minus strand). Cytogenetic location: 9q22.32.
Variant type: single nucleotide variant.
Coding change: c.770T>C on transcript NM_000136.3 (MANE Select); coding-DNA position 770, T replaced by C.
Protein change: p.Leu257Pro; replaces leucine 257 with proline.
Molecular consequence: missense variant.
Genome position (GRCh38, 1-based): chr9:95,135,419, A>G on the plus strand (T>C on the coding strand, the complement: FANCC is on the minus strand). VCF-style: chr9-95135419-A-G. GRCh37 (hg19) VCF-style: chr9-97897701-A-G.
Other names: c.770T>C, p.Leu257Pro (NM_001243743.2, NM_001243744.2); short protein forms L257P.
Identifiers: ClinVar variation 409655 (VCV000409655.19), dbSNP rs1060502515, ClinGen allele CA16612634.

ClinVar aggregate classification (germline): Uncertain significance. Review status: criteria provided, multiple submitters, no conflicts (2 of 4 stars). 6 submissions from 6 submitters: Uncertain significance (5). 1 of the submissions does not count toward it. Last evaluated 2026-01-22.

Conditions:
Fanconi anemia (FA). Also called: Fanconi's anemia. Identifiers: Orphanet 84, MedGen C0015625, MeSH D005199, MONDO:0019391.
Hereditary cancer-predisposing syndrome. Also called: Tumor predisposition; Hereditary Cancer Syndrome; Hereditary neoplastic syndrome; Neoplastic Syndromes, Hereditary. Identifiers: Orphanet 140162, MedGen C0027672, MeSH D009386, MONDO:0015356.

Allele frequency attached by ClinVar (database versions not stated): gnomAD exomes 0.00001 and 0.00002; TOPMed 0.00002.
gnomAD v4.1: 13 of 1,614,074 alleles (0.00081%); highest among the groups gnomAD compares: Admixed American, 0.01%; no homozygotes.

Submissions (6):

Labcorp Genetics (formerly Invitae), Labcorp
Classification: Uncertain significance for Fanconi anemia. Last evaluated: 2026-01-22. Review status: criteria provided, single submitter. Criteria: Invitae Variant Classification Sherloc (09022015). Collection method: clinical testing. Allele origin: germline.
Comment: This sequence change replaces leucine, which is neutral and non-polar, with proline, which is neutral and non-polar, at codon 257 of the FANCC protein (p.Leu257Pro). This variant is present in population databases (no rsID available, gnomAD 0.02%). This variant has not been reported in the literature in individuals affected with FANCC-related conditions. ClinVar contains an entry for this variant (Variation ID: 409655). Invitae Evidence Modeling of protein sequence and biophysical properties (such as structural, functional, and spatial information, amino acid conservation, physicochemical variation, residue mobility, and thermodynamic stability) indicates that this missense variant is expected to disrupt FANCC protein function with a positive predictive value of 80%. In summary, the available evidence is currently insufficient to determine the role of this variant in disease. Therefore, it has been classified as a Variant of Uncertain Significance.

Ambry Genetics
Classification: Uncertain significance for Hereditary cancer-predisposing syndrome. Last evaluated: 2024-11-20. Review status: criteria provided, single submitter. Criteria: Ambry Variant Classification Scheme 2023. Collection method: clinical testing. Allele origin: germline.
Comment: The p.L257P variant (also known as c.770T>C), located in coding exon 7 of the FANCC gene, results from a T to C substitution at nucleotide position 770. The leucine at codon 257 is replaced by proline, an amino acid with similar properties. This amino acid position is highly conserved in available vertebrate species. In addition, this alteration is predicted to be deleterious by in silico analysis. Based on the available evidence, the clinical significance of this variant remains unclear.

GeneDx
Classification: Uncertain significance. Last evaluated: 2023-11-21. Review status: criteria provided, single submitter. Criteria: GeneDx Variant Classification Process June 2021. Collection method: clinical testing. Allele origin: germline. Affected: yes.
Comment: In silico analysis supports that this missense variant has a deleterious effect on protein structure/function; Has not been previously published as pathogenic or benign to our knowledge; This variant is associated with the following publications: (PMID: Gordon2000[Book])

Quest Diagnostics Nichols Institute San Juan Capistrano
Classification: Uncertain significance. Last evaluated: 2022-12-21. Review status: criteria provided, single submitter. Criteria: Quest Diagnostics criteria. Collection method: clinical testing. Allele origin: unknown.
Comment: The variant has not been reported in the published literature. The frequency of this variant in the general population, 0.00017 (6/34588 chromosomes), is uninformative in assessment of its pathogenicity. Analysis of this variant using bioinformatics tools for the prediction of the effect of amino acid changes on protein structure and function yielded predictions that this variant is damaging. Based on the available information, we are unable to determine the clinical significance of this variant.

Women's Health and Genetics/Laboratory Corporation of America, LabCorp
Classification: Uncertain significance. Last evaluated: 2021-02-12. Review status: criteria provided, single submitter. Criteria: LabCorp Variant Classification Summary - May 2015. Collection method: clinical testing. Allele origin: germline.
Comment: Variant summary: FANCC c.770T>C (p.Leu257Pro) results in a non-conservative amino acid change in the encoded protein sequence. Four of five in-silico tools predict a damaging effect of the variant on protein function. The variant allele was found at a frequency of 2.4e-05 in 251426 control chromosomes (gnomAD). The available data on variant occurrences in the general population are insufficient to allow any conclusion about variant significance. To our knowledge, no occurrence of c.770T>C in individuals affected with Fanconi Anemia Group C and no experimental evidence demonstrating its impact on protein function have been reported. One ClinVar submitter (evaluation after 2014) cites the variant as uncertain significance. Based on the evidence outlined above, the variant was classified as uncertain significance.

Natera, Inc.
Classification: Uncertain significance for Fanconi anemia. Last evaluated: 2017-10-16. Review status: no assertion criteria provided. Collection method: clinical testing. Allele origin: germline. Not counted in ClinVar's aggregate classification.